The following is an entry in ClinVar:

NM_003803.4(MYOM1):c.1334G>T (p.Arg445Ile)

Gene: MYOM1 (myomesin 1; minus strand). Cytogenetic location: 18p11.31.
Variant type: single nucleotide variant.
Coding change: c.1334G>T on transcript NM_003803.4 (MANE Select); coding-DNA position 1334, G replaced by T.
Protein change: p.Arg445Ile; replaces arginine 445 with isoleucine.
Molecular consequence: missense variant.
Genome position (GRCh38, 1-based): chr18:3,168,822, C>A on the plus strand (G>T on the coding strand, the complement: MYOM1 is on the minus strand). VCF-style: chr18-3168822-C-A. GRCh37 (hg19) VCF-style: chr18-3168820-C-A.
Other names: c.1334G>T, p.Arg445Ile (NM_019856.2); short protein forms R445I.
Identifiers: ClinVar variation 957398 (VCV000957398.10), dbSNP rs558801546, ClinGen allele CA8874989.

ClinVar aggregate classification (germline): Uncertain significance (1 of 4 stars; one submission).

Conditions:
Hypertrophic cardiomyopathy. Also called: HYPERTROPHIC MYOCARDIOPATHY. Identifiers: Orphanet 217569, MedGen C0007194, MeSH D002312, MONDO:0005045, HP:0001639.

Allele frequency attached by ClinVar (database versions not stated): gnomAD below 0.00001 and 0.00001; ExAC 0.00013; 1000 Genomes Project 30x 0.00016; 1000 Genomes Project 0.00020; gnomAD exomes 0.00003 and 0.00009.
gnomAD v4.1: 50 of 1,613,874 alleles (0.0031%); highest among the groups gnomAD compares: South Asian, 0.046%; 1 homozygote.

Submission:

Labcorp Genetics (formerly Invitae), Labcorp
Classification: Uncertain significance for Hypertrophic cardiomyopathy. Last evaluated: 2024-07-19. Review status: criteria provided, single submitter. Criteria: Invitae Variant Classification Sherloc (09022015). Collection method: clinical testing. Allele origin: germline.
Comment: This sequence change replaces arginine, which is basic and polar, with isoleucine, which is neutral and non-polar, at codon 445 of the MYOM1 protein (p.Arg445Ile). This variant is present in population databases (rs558801546, gnomAD 0.08%), and has an allele count higher than expected for a pathogenic variant. This variant has not been reported in the literature in individuals affected with MYOM1-related conditions. ClinVar contains an entry for this variant (Variation ID: 957398). Advanced modeling of protein sequence and biophysical properties (such as structural, functional, and spatial information, amino acid conservation, physicochemical variation, residue mobility, and thermodynamic stability) performed at Invitae indicates that this missense variant is expected to disrupt MYOM1 protein function with a positive predictive value of 80%. In summary, the available evidence is currently insufficient to determine the role of this variant in disease. Therefore, it has been classified as a Variant of Uncertain Significance.